The following is an entry in ClinVar:

NM_001199138.2(NLRC4):c.833C>T (p.Thr278Ile)

Gene: NLRC4 (NLR family CARD domain containing 4; minus strand). Cytogenetic location: 2p22.3.
Variant type: single nucleotide variant.
Coding change: c.833C>T on transcript NM_001199138.2 (MANE Select); coding-DNA position 833, C replaced by T.
Protein change: p.Thr278Ile; replaces threonine 278 with isoleucine.
Molecular consequence: missense variant. On other transcripts: intron variant (1).
Genome position (GRCh38, 1-based): chr2:32,251,031, G>A on the plus strand (C>T on the coding strand, the complement: NLRC4 is on the minus strand). VCF-style: chr2-32251031-G-A. GRCh37 (hg19) VCF-style: chr2-32476100-G-A.
Other names: c.833C>T, p.Thr278Ile (NM_001199139.2, NM_021209.5); c.262+1388C>T (NM_001302504.1); short protein forms T278I.
Identifiers: ClinVar variation 2139512 (VCV002139512.5), dbSNP rs748803880, ClinGen allele CA346514177.

ClinVar aggregate classification (germline): Uncertain significance. Review status: criteria provided, multiple submitters, no conflicts (2 of 4 stars). 2 submissions from 2 submitters: Uncertain significance (2). Last evaluated 2025-07-21.

Conditions:
Periodic fever-infantile enterocolitis-autoinflammatory syndrome. Also called: Autoinflammation with infantile enterocolitis. Identifiers: Orphanet 436166, MedGen C4015067, MONDO:0014472, OMIM 616050.
Familial cold autoinflammatory syndrome 4 (FCAS4). Identifiers: Orphanet 47045, Orphanet 576349, MedGen C4015276, MONDO:0014498, OMIM 616115.

Allele frequency attached by ClinVar (database versions not stated): gnomAD 0.00002; TOPMed 0.00002.
gnomAD v4.1: 47 of 1,614,080 alleles (0.0029%); highest among the groups gnomAD compares: Non-Finnish European, 0.0038%; no homozygotes.

Submissions (2):

Labcorp Genetics (formerly Invitae), Labcorp
Classification: Uncertain significance for Periodic fever-infantile enterocolitis-autoinflammatory syndrome; Familial cold autoinflammatory syndrome 4. Last evaluated: 2025-07-21. Review status: criteria provided, single submitter. Criteria: Invitae Variant Classification Sherloc (09022015). Collection method: clinical testing. Allele origin: germline.
Comment: This sequence change replaces threonine, which is neutral and polar, with isoleucine, which is neutral and non-polar, at codon 278 of the NLRC4 protein (p.Thr278Ile). This variant is present in population databases (no rsID available, gnomAD 0.002%). This variant has not been reported in the literature in individuals affected with NLRC4-related conditions. ClinVar contains an entry for this variant (Variation ID: 2139512). Invitae Evidence Modeling of protein sequence and biophysical properties (such as structural, functional, and spatial information, amino acid conservation, physicochemical variation, residue mobility, and thermodynamic stability) indicates that this missense variant is expected to disrupt NLRC4 protein function with a positive predictive value of 80%. In summary, the available evidence is currently insufficient to determine the role of this variant in disease. Therefore, it has been classified as a Variant of Uncertain Significance.

Blueprint Genetics
Classification: Uncertain significance. Last evaluated: 2021-04-14. Review status: criteria provided, single submitter. Criteria: ACMG Guidelines, 2015. Collection method: clinical testing. Allele origin: germline.